The following is an entry in ClinVar:

NM_000525.4(KCNJ11):c.285C>T (p.Phe95=)

Gene: KCNJ11 (potassium inwardly rectifying channel subfamily J member 11; minus strand). Cytogenetic location: 11p15.1.
Variant type: single nucleotide variant.
Coding change: c.285C>T on transcript NM_000525.4 (MANE Select); coding-DNA position 285, C replaced by T.
Protein change: p.Phe95=; no amino-acid change (phenylalanine 95 retained).
Molecular consequence: synonymous variant.
Genome position (GRCh38, 1-based): chr11:17,387,807, G>A on the plus strand (C>T on the coding strand, the complement: KCNJ11 is on the minus strand). VCF-style: chr11-17387807-G-A. GRCh37 (hg19) VCF-style: chr11-17409354-G-A.
Other names: c.24C>T, p.Phe8= (NM_001377297.1, NM_001166290.2, NM_001377296.1).
Identifiers: ClinVar variation 989945 (VCV000989945.10), dbSNP rs774849547, ClinGen allele CA5902313.

ClinVar aggregate classification (germline): Conflicting classifications of pathogenicity. Review status: criteria provided, conflicting classifications (1 of 4 stars). 3 submissions from 3 submitters: Uncertain significance (1); Likely benign (1). 1 of the submissions does not count toward it. Last evaluated 2024-02-16.

Conditions:
Permanent neonatal diabetes mellitus (PNDM). Identifiers: Orphanet 99885, MedGen C1833104, MONDO:0100164, MONDO:0011643. Disease mechanism: gain of function.
Maturity-onset diabetes of the young (MODY). Also called: Maturity onset diabetes mellitus in young. Identifiers: Orphanet 552, MedGen C0342276, MONDO:0018911, HP:0004904.

Allele frequency attached by ClinVar (database versions not stated): ExAC 0.00001; gnomAD exomes 0.00001 and 0.00002; gnomAD 0.00002; TOPMed 0.00002.

Submissions (3):

Labcorp Genetics (formerly Invitae), Labcorp
Classification: Likely benign. Last evaluated: 2024-02-16. Review status: criteria provided, single submitter. Criteria: Invitae Variant Classification Sherloc (09022015). Collection method: clinical testing. Allele origin: germline.

Clinical Genomics, Uppaluri K&H Personalized Medicine Clinic
Classification: Uncertain significance for Maturity-onset diabetes of the young. Review status: criteria provided, single submitter. Criteria: K&H Uppaluri Personalized Medicine Clinic Variant Classification & Assertion Criteria. Collection method: research. Allele origin: somatic. Inheritance: Autosomal dominant inheritance.
Comment: Mutations in KCNJ11 gene can cause decreased production and secretion of insulin. This can lead to MODY which may be responsive to oral sulfonylureas. It is also associated with Neonatal Diabetes. However, no sufficient evidence is found to ascertain the role of rs774849547 variant in MODY yet.

Natera, Inc.
Classification: Uncertain significance for Permanent neonatal diabetes mellitus. Last evaluated: 2020-09-26. Review status: no assertion criteria provided. Collection method: clinical testing. Allele origin: germline. Not counted in ClinVar's aggregate classification.

Literature cited by the submitters: PubMed 26448950 (cited by Clinical Genomics, Uppaluri K&H Personalized Medicine Clinic); PubMed 15580558 (cited by Clinical Genomics, Uppaluri K&H Personalized Medicine Clinic); PubMed 15718250 (cited by Clinical Genomics, Uppaluri K&H Personalized Medicine Clinic); PubMed 32935446 (cited by Clinical Genomics, Uppaluri K&H Personalized Medicine Clinic); PubMed 22701567 (cited by Clinical Genomics, Uppaluri K&H Personalized Medicine Clinic).